The following is an entry in ClinVar:

NM_001374675.1(HSF4):c.627-11C>T

Gene: HSF4 (heat shock transcription factor 4; plus strand). Cytogenetic location: 16q22.1.
Variant type: single nucleotide variant.
Coding change: c.627-11C>T on transcript NM_001374675.1 (MANE Select); 11 bases into the intron before coding-DNA position 627, C replaced by T.
Molecular consequence: intron variant.
Genome position (GRCh38, 1-based): chr16:67,167,109, C>T. VCF-style: chr16-67167109-C-T. GRCh37 (hg19) VCF-style: chr16-67201012-C-T.
Other names: c.627-11C>T (NM_001538.4, NM_001040667.3, NM_001374674.1).
Identifiers: ClinVar variation 320184 (VCV000320184.8), dbSNP rs199856104, ClinGen allele CA8101913.

ClinVar aggregate classification (germline): Benign/Likely benign. Review status: criteria provided, multiple submitters, no conflicts (2 of 4 stars). 2 submissions from 2 submitters: Benign (1); Likely benign (1). Last evaluated 2025-10-02.

Conditions:
Cataract 5 multiple types (CTRCT5). Also called: CATARACT, MARNER TYPE; Lamellar cataract; CATARACT 5, LAMELLAR. Identifiers: Orphanet 91492, MedGen C0266537, MONDO:0007290, OMIM 116800, HP:0007971.

Allele frequency attached by ClinVar (database versions not stated): ESP Exome Variant Server 0.00024; TOPMed 0.00029; gnomAD exomes 0.00030 and 0.00039; gnomAD 0.00031 and 0.00034; ExAC 0.00051.
gnomAD v4.1: 480 of 1,613,978 alleles (0.03%); highest among the groups gnomAD compares: Non-Finnish European, 0.037%; no homozygotes.

Submissions (2):

Labcorp Genetics (formerly Invitae), Labcorp
Classification: Likely benign for Cataract 5 multiple types. Last evaluated: 2025-10-02. Review status: criteria provided, single submitter. Criteria: Invitae Variant Classification Sherloc (09022015). Collection method: clinical testing. Allele origin: germline.

Illumina Laboratory Services, Illumina
Classification: Benign for Cataract 5 multiple types. Last evaluated: 2018-01-13. Review status: criteria provided, single submitter. Criteria: ICSL Variant Classification Criteria 13 December 2019. Collection method: clinical testing. Allele origin: germline.
Comment: This variant was observed in the ICSL laboratory as part of a predisposition screen in an ostensibly healthy population. It had not been previously curated by ICSL or reported in the Human Gene Mutation Database (HGMD: prior to June 1st, 2018), and was therefore a candidate for classification through an automated scoring system. Utilizing variant allele frequency, disease prevalence and penetrance estimates, and inheritance mode, an automated score was calculated to assess if this variant is too frequent to cause the disease. Based on the score and internal cut-off values, a variant classified as benign is not then subjected to further curation. The score for this variant resulted in a classification of benign for this disease.